The following is an entry in ClinVar:

NM_014908.4(DOLK):c.1588C>T (p.Leu530Phe)

Gene: DOLK (dolichol kinase; minus strand). Cytogenetic location: 9q34.11.
Variant type: single nucleotide variant.
Coding change: c.1588C>T on transcript NM_014908.4 (MANE Select); coding-DNA position 1588, C replaced by T.
Protein change: p.Leu530Phe; replaces leucine 530 with phenylalanine.
Molecular consequence: missense variant.
Genome position (GRCh38, 1-based): chr9:128,945,716, G>A on the plus strand (C>T on the coding strand, the complement: DOLK is on the minus strand). VCF-style: chr9-128945716-G-A. GRCh37 (hg19) VCF-style: chr9-131707995-G-A.
Other names: short protein forms L530F.
Identifiers: ClinVar variation 4244187 (VCV004244187.1).

ClinVar aggregate classification (germline): Uncertain significance (1 of 4 stars; one submission).

Conditions:
Cardiovascular phenotype. Identifiers: MedGen CN230736.

gnomAD v4.1: 9 of 1,614,050 alleles (0.00056%); highest among the groups gnomAD compares: Non-Finnish European, 0.00068%; no homozygotes.

Submission:

Ambry Genetics
Classification: Uncertain significance for Cardiovascular phenotype. Last evaluated: 2025-06-28. Review status: criteria provided, single submitter. Criteria: Ambry Variant Classification Scheme 2023. Collection method: clinical testing. Allele origin: germline.
Comment: The p.L530F variant (also known as c.1588C>T), located in coding exon 1 of the DOLK gene, results from a C to T substitution at nucleotide position 1588. The leucine at codon 530 is replaced by phenylalanine, an amino acid with highly similar properties. This amino acid position is conserved. In addition, the in silico prediction for this alteration is inconclusive. Based on the available evidence, the clinical significance of this variant remains unclear.